The following is an entry in ClinVar:

ClinVar aggregate classification (germline): Uncertain significance. Review status: criteria provided, multiple submitters, no conflicts (2 of 4 stars). 3 submissions from 3 submitters: Uncertain significance (3). Last evaluated 2026-08-25.

Conditions:
Inborn genetic diseases. Identifiers: MedGen C0950123, MeSH D030342.

Allele frequency attached by ClinVar (database versions not stated): gnomAD exomes 0.00004 and 0.00010; 1000 Genomes Project 0.00080; ExAC 0.00011; gnomAD 0.00027 and 0.00028; ESP Exome Variant Server 0.00033; TOPMed 0.00041; 1000 Genomes Project 30x 0.00109.
gnomAD v4.1: 109 of 1,613,872 alleles (0.0068%); highest among the groups gnomAD compares: African/African-American, 0.1%; no homozygotes.

Submissions (3):

GeneDx
Classification: Uncertain significance. Last evaluated: 2026-08-25. Review status: criteria provided, single submitter. Criteria: GeneDx Variant Classification Process June 2021. Collection method: clinical testing. Allele origin: germline.
Comment: In silico analysis supports that this missense variant has a deleterious effect on protein structure/function; Has not been previously published as pathogenic or benign to our knowledge

Labcorp Genetics (formerly Invitae), Labcorp
Classification: Uncertain significance. Last evaluated: 2025-06-12. Review status: criteria provided, single submitter. Criteria: Invitae Variant Classification Sherloc (09022015). Collection method: clinical testing. Allele origin: germline.
Comment: This sequence change replaces proline, which is neutral and non-polar, with leucine, which is neutral and non-polar, at codon 3788 of the FAT1 protein (p.Pro3788Leu). This variant is present in population databases (rs200262460, gnomAD 0.09%). This variant has not been reported in the literature in individuals affected with FAT1-related conditions. ClinVar contains an entry for this variant (Variation ID: 1309810). An algorithm developed to predict the effect of missense changes on protein structure and function (PolyPhen-2) suggests that this variant is likely to be tolerated. In summary, the available evidence is currently insufficient to determine the role of this variant in disease. Therefore, it has been classified as a Variant of Uncertain Significance.

Ambry Genetics
Classification: Uncertain significance for Inborn genetic diseases. Last evaluated: 2024-04-08. Review status: criteria provided, single submitter. Criteria: Ambry Variant Classification Scheme 2023. Collection method: clinical testing. Allele origin: germline.

NM_005245.4(FAT1):c.11363C>T (p.Pro3788Leu)

Gene: FAT1 (FAT atypical cadherin 1; minus strand). Cytogenetic location: 4q35.2.
Variant type: single nucleotide variant.
Coding change: c.11363C>T on transcript NM_005245.4 (MANE Select); coding-DNA position 11363, C replaced by T.
Protein change: p.Pro3788Leu; replaces proline 3788 with leucine.
Molecular consequence: missense variant.
Genome position (GRCh38, 1-based): chr4:186,603,022, G>A on the plus strand (C>T on the coding strand, the complement: FAT1 is on the minus strand). VCF-style: chr4-186603022-G-A. GRCh37 (hg19) VCF-style: chr4-187524176-G-A.
Other names: short protein forms P3788L.
Identifiers: ClinVar variation 1309810 (VCV001309810.8), dbSNP rs200262460, ClinGen allele CA3165128.